The following is an entry in ClinVar:

NM_006939.4(SOS2):c.431T>A (p.Leu144Ter)

Gene: SOS2 (SOS Ras/Rho guanine nucleotide exchange factor 2; minus strand). Cytogenetic location: 14q21.3.
Variant type: single nucleotide variant.
Coding change: c.431T>A on transcript NM_006939.4 (MANE Select); coding-DNA position 431, T replaced by A.
Protein change: p.Leu144Ter; replaces leucine 144 with a stop codon.
Molecular consequence: nonsense.
Genome position (GRCh38, 1-based): chr14:50,199,770, A>T on the plus strand (T>A on the coding strand, the complement: SOS2 is on the minus strand). VCF-style: chr14-50199770-A-T. GRCh37 (hg19) VCF-style: chr14-50666488-A-T.
Other names: c.431T>A, p.Leu144Ter (NM_001411020.1); short protein forms L144*.
Identifiers: ClinVar variation 2195629 (VCV002195629.4), dbSNP rs1886425451, ClinGen allele CA389649614.

ClinVar aggregate classification (germline): Uncertain significance (1 of 4 stars; one submission).

Conditions:
Noonan syndrome 9 (NS9). Identifiers: Orphanet 648, MedGen C4225282, MONDO:0014691, OMIM 616559.

Allele frequency attached by ClinVar (database versions not stated): gnomAD exomes below 0.00001; TOPMed below 0.00001.
gnomAD v4.1: 1 of 1,603,154 alleles (0.000062%); highest among the groups gnomAD compares: Non-Finnish European, 0.000085%; no homozygotes.

Submission:

Labcorp Genetics (formerly Invitae), Labcorp
Classification: Uncertain significance for Noonan syndrome 9. Last evaluated: 2025-12-08. Review status: criteria provided, single submitter. Criteria: Invitae Variant Classification Sherloc (09022015). Collection method: clinical testing. Allele origin: germline.
Comment: This sequence change creates a premature translational stop signal (p.Leu144*) in the SOS2 gene. It is expected to result in an absent or disrupted protein product. However, the current clinical and genetic evidence is not sufficient to establish whether loss-of-function variants in SOS2 cause disease. This variant is not present in population databases (gnomAD no frequency). This variant has not been reported in the literature in individuals affected with SOS2-related conditions. ClinVar contains an entry for this variant (Variation ID: 2195629). In summary, the available evidence is currently insufficient to determine the role of this variant in disease. Therefore, it has been classified as a Variant of Uncertain Significance.